The following is an entry in ClinVar:

NM_001692.4(ATP6V1B1):c.1178C>G (p.Ser393Trp)

Gene: ATP6V1B1 (ATPase H+ transporting V1 subunit B1; plus strand). Cytogenetic location: 2p13.3.
Variant type: single nucleotide variant.
Coding change: c.1178C>G on transcript NM_001692.4 (MANE Select); coding-DNA position 1178, C replaced by G.
Protein change: p.Ser393Trp; replaces serine 393 with tryptophan.
Molecular consequence: missense variant.
Genome position (GRCh38, 1-based): chr2:70,964,472, C>G. VCF-style: chr2-70964472-C-G. GRCh37 (hg19) VCF-style: chr2-71191602-C-G.
Other names: short protein forms S393W.
Identifiers: ClinVar variation 862368 (VCV000862368.12), dbSNP rs1333081051, ClinGen allele CA347187652.
Genomic context (GRCh38, chr2:70,964,472, plus strand): 5'-ACCACTCCCTTTTTCTTCTCCCTCAGATCTACCCCCCCATCAACGTGCTCCCTTCCCTGT[C>G]GCGGCTGATGAAGTCAGCCATTGGGGAAGGCATGACAAGAAAGGACCATGGAGATGTCTC-3'
Protein context (NP_001683.2, residues 383-403): YPPINVLPSL[Ser393Trp]RLMKSAIGEG

ClinVar aggregate classification (germline): Uncertain significance. Review status: criteria provided, multiple submitters, no conflicts (2 of 4 stars). 3 submissions from 3 submitters: Uncertain significance (2). 1 of the submissions does not count toward it. Last evaluated 2026-07-07.

Conditions:
Renal tubular acidosis with progressive nerve deafness. Also called: Distal Renal Tubular Acidosis with Progressive Sensorineural Deafness; renal tubular acidosis, distal, 2, with progressive sensorineural hearing loss; RENAL TUBULAR ACIDOSIS, AUTOSOMAL RECESSIVE, WITH PROGRESSIVE NERVE DEAFNESS; RTA WITH PROGRESSIVE NERVE DEAFNESS. Identifiers: MedGen C0403554, MONDO:0009968, OMIM 267300.

Allele frequency attached by ClinVar (database versions not stated): gnomAD exomes below 0.00001.
gnomAD v4.1: 1 of 1,614,090 alleles (0.000062%); highest among the groups gnomAD compares: East Asian, 0.0022%; no homozygotes.

Submissions (3):

Medgenome Labs Ltd
Classification: Uncertain significance for Renal tubular acidosis with progressive nerve deafness. Last evaluated: 2026-07-07. Review status: criteria provided, single submitter. Criteria: ACMG Guidelines, 2015. Collection method: clinical testing. Allele origin: germline. Affected: yes.

Labcorp Genetics (formerly Invitae), Labcorp
Classification: Uncertain significance. Last evaluated: 2019-12-30. Review status: criteria provided, single submitter. Criteria: Invitae Variant Classification Sherloc (09022015). Collection method: clinical testing. Allele origin: germline.
Comment: In summary, the available evidence is currently insufficient to determine the role of this variant in disease. Therefore, it has been classified as a Variant of Uncertain Significance. Algorithms developed to predict the effect of missense changes on protein structure and function are either unavailable or do not agree on the potential impact of this missense change (SIFT: "Deleterious"; PolyPhen-2: "Probably Damaging"; Align-GVGD: "Class C15"). This variant has not been reported in the literature in individuals with ATP6V1B1-related conditions. This variant is not present in population databases (ExAC no frequency). This sequence change replaces serine with tryptophan at codon 393 of the ATP6V1B1 protein (p.Ser393Trp). The serine residue is highly conserved and there is a large physicochemical difference between serine and tryptophan.

Natera, Inc.
Classification: Uncertain significance for Renal tubular acidosis with progressive nerve deafness. Last evaluated: 2021-07-22. Review status: no assertion criteria provided. Collection method: clinical testing. Allele origin: germline. Not counted in ClinVar's aggregate classification.